The following is an entry in ClinVar:

NM_002439.5(MSH3):c.469C>T (p.Gln157Ter)

Gene: MSH3 (mutS homolog 3; plus strand). Cytogenetic location: 5q14.1.
Variant type: single nucleotide variant.
Coding change: c.469C>T on transcript NM_002439.5 (MANE Select); coding-DNA position 469, C replaced by T.
Protein change: p.Gln157Ter; replaces glutamine 157 with a stop codon.
Molecular consequence: nonsense.
Genome position (GRCh38, 1-based): chr5:80,665,253, C>T. VCF-style: chr5-80665253-C-T. GRCh37 (hg19) VCF-style: chr5-79961072-C-T.
Other names: c.469C>T (NM_002439.4); short protein forms Q157*.
Identifiers: ClinVar variation 1451333 (VCV001451333.8), dbSNP rs2112808839, ClinGen allele CA360263639.

ClinVar aggregate classification (germline): Pathogenic/Likely pathogenic. Review status: criteria provided, multiple submitters, no conflicts (2 of 4 stars). 3 submissions from 3 submitters: Pathogenic (2); Likely pathogenic (1). Last evaluated 2025-12-26.

Conditions:
Familial adenomatous polyposis 4 (FAP4). Also called: MSH3-related attenuated familial adenomatous polyposis. Identifiers: Orphanet 480536, MedGen C4310719, MONDO:0044300, OMIM 617100.

Submissions (3):

Myriad Genetics, Inc.
Classification: Pathogenic for Familial adenomatous polyposis 4. Last evaluated: 2025-12-26. Review status: criteria provided, single submitter. Criteria: Myriad Autosomal Dominant, Autosomal Recessive and X-Linked Classification Criteria (2023). Collection method: clinical testing. Allele origin: unknown.
Comment: This variant is considered pathogenic. This variant creates a termination codon and is predicted to result in premature protein truncation.

Quest Diagnostics Nichols Institute San Juan Capistrano
Classification: Likely pathogenic. Last evaluated: 2025-01-31. Review status: criteria provided, single submitter. Criteria: Quest Diagnostics criteria. Collection method: clinical testing. Allele origin: unknown.
Comment: The MSH3 c.469C>T (p.Gln157*) variant is predicted to cause the premature termination of MSH3 protein synthesis. This variant has not been reported in individuals with MSH3-related conditions in the published literature. This variant has not been reported in large, multi-ethnic general populations (Genome Aggregation Database). Based on the available information, this variant is classified as likely pathogenic.

Labcorp Genetics (formerly Invitae), Labcorp
Classification: Pathogenic. Last evaluated: 2023-02-27. Review status: criteria provided, single submitter. Criteria: Invitae Variant Classification Sherloc (09022015). Collection method: clinical testing. Allele origin: germline.
Comment: For these reasons, this variant has been classified as Pathogenic. ClinVar contains an entry for this variant (Variation ID: 1451333). This variant has not been reported in the literature in individuals affected with MSH3-related conditions. This variant is not present in population databases (gnomAD no frequency). This sequence change creates a premature translational stop signal (p.Gln157*) in the MSH3 gene. It is expected to result in an absent or disrupted protein product. Loss-of-function variants in MSH3 are known to be pathogenic (PMID: 27476653).

Literature cited by the submitters: PubMed 27476653 (cited by Labcorp Genetics (formerly Invitae), Labcorp).